The following is an entry in ClinVar:

ClinVar aggregate classification (germline): Pathogenic (1 of 4 stars; one submission).

Conditions:
Breast-ovarian cancer, familial, susceptibility to, 2 (BROVCA2). Also called: BRCA2 Hereditary Breast and Ovarian Cancer. Identifiers: Orphanet 145, MedGen C2675520, MONDO:0012933, OMIM 612555. Disease mechanism: loss of function.

Submission:

Myriad Genetics, Inc.
Classification: Pathogenic for Breast-ovarian cancer, familial, susceptibility to, 2. Last evaluated: 2023-04-26. Review status: criteria provided, single submitter. Criteria: Myriad Autosomal Dominant, Autosomal Recessive and X-Linked Classification Criteria (2023). Collection method: clinical testing. Allele origin: unknown.
Comment: This variant is considered pathogenic. This variant creates a frameshift predicted to result in premature protein truncation.

NM_000059.4(BRCA2):c.1024dup (p.Glu342fs)

Gene: BRCA2 (BRCA2 DNA repair associated; plus strand). Cytogenetic location: 13q13.1.
Variant type: Duplication.
Coding change: c.1024dup on transcript NM_000059.4 (MANE Select); coding-DNA position 1024, one base duplicated (G; older notation c.1024dupG).
Protein change: p.Glu342fs; shifts the reading frame from glutamic acid 342.
Molecular consequence: frameshift variant. On other transcripts: non-coding transcript variant (1), intron variant (1).
Genome position (GRCh38, 1-based): chr13:32,332,502, G duplicated. VCF-style (leftmost placement, unchanged base first): chr13-32332501-T-TG. GRCh37 (hg19) VCF-style: chr13-32906638-T-TG.
Other names: c.1024dup, p.Glu342fs (NM_001406719.1, NM_001406720.1, NM_001406721.1); c.424+1472dup (NM_001406722.1); short protein forms E342fs.
Identifiers: ClinVar variation 2583801 (VCV002583801.2), dbSNP rs2548519378, ClinGen allele CA2582341830.
Genomic context (GRCh38, chr13:32,332,501, plus strand): 5'-AAAAGTAAGAACTAGCAAGACTAGGAAAAAAATTTTCCATGAAGCAAACGCTGATGAATG[T>TG]GAAAAATCTAAAAACCAAGTGAAAGAAAAATACTCATTTGTATCTGAAGTGGAACCAAAT-3'